The following is an entry in ClinVar:

NM_001008537.3(NEXMIF):c.2233C>A (p.Gln745Lys)

Gene: NEXMIF (neurite extension and migration factor; minus strand). Cytogenetic location: Xq13.3.
Variant type: single nucleotide variant.
Coding change: c.2233C>A on transcript NM_001008537.3 (MANE Select); coding-DNA position 2233, C replaced by A.
Protein change: p.Gln745Lys; replaces glutamine 745 with lysine.
Molecular consequence: missense variant.
Genome position (GRCh38, 1-based): chrX:74,742,324, G>T on the plus strand (C>A on the coding strand, the complement: NEXMIF is on the minus strand). VCF-style: chrX-74742324-G-T. GRCh37 (hg19) VCF-style: chrX-73962159-G-T.
Other names: short protein forms Q745K.
Identifiers: ClinVar variation 1492910 (VCV001492910.8), dbSNP rs2147440382, ClinGen allele CA413668676.
Genomic context (GRCh38, chrX:74,742,324, plus strand): 5'-GAATAACTTCATTCTTTAAATTAGCCTTTGAGGATTGGTTTTCCAAGAGAGGGCTCATTT[G>T]AACAATTGGCTTGCTTTCTTGCCCAGCAGCTTTGACTTTCTTAGATTTTAACCTAGCTTC-3'
Protein context (NP_001008537.1, residues 735-755): AAGQESKPIV[Gln745Lys]MSPLLENQSS

ClinVar aggregate classification (germline): Uncertain significance (1 of 4 stars; one submission).

Submission:

Labcorp Genetics (formerly Invitae), Labcorp
Classification: Uncertain significance. Last evaluated: 2021-03-29. Review status: criteria provided, single submitter. Criteria: Invitae Variant Classification Sherloc (09022015). Collection method: clinical testing. Allele origin: germline.
Comment: In summary, the available evidence is currently insufficient to determine the role of this variant in disease. Therefore, it has been classified as a Variant of Uncertain Significance. Algorithms developed to predict the effect of missense changes on protein structure and function (SIFT, PolyPhen-2, Align-GVGD) all suggest that this variant is likely to be tolerated, but these predictions have not been confirmed by published functional studies and their clinical significance is uncertain. This variant has not been reported in the literature in individuals with NEXMIF-related conditions. This variant is not present in population databases (ExAC no frequency). This sequence change replaces glutamine with lysine at codon 745 of the NEXMIF protein (p.Gln745Lys). The glutamine residue is highly conserved and there is a small physicochemical difference between glutamine and lysine.